The following is an entry in ClinVar:

ClinVar aggregate classification (germline): Likely pathogenic (1 of 4 stars; one submission).

Conditions:
Supravalvar aortic stenosis (SVAS). Also called: Supravalvar aortic stenosis, Eisenberg type. Identifiers: Orphanet 3193, MedGen C0003499, MONDO:0008504, OMIM 185500, HP:0004381.

Submission:

Neuberg Centre For Genomic Medicine, NCGM
Classification: Likely pathogenic for Supravalvar aortic stenosis. Review status: criteria provided, single submitter. Criteria: ACMG Guidelines, 2015. Collection method: clinical testing. Allele origin: germline. Inheritance: Autosomal dominant inheritance. Affected: yes.
Comment: The observed frameshift variant c.216dup (p.Ala73CysfsTer26) in ELN gene has not been reported previously as a pathogenic variant nor as a benign variant, to our knowledge. The p.Ala73CysfsTer26 variant is absent in gnomAD Exomes database. This variant has not been submitted to the ClinVar database. This variant causes a frameshift starting with codon Alanine 73, changes this amino acid to Cysteine residue, and creates a premature Stop codon at position 26 of the new reading frame, denoted p.Ala73CysfsTer26. This variant is predicted to cause loss of normal protein function through protein truncation. Loss of function variants have been previously reported to be disease causing. For these reasons, this variant has been classified as Likely Pathogenic.

NM_000501.4(ELN):c.216dup (p.Ala73fs)

Gene: ELN (elastin; plus strand). Cytogenetic location: 7q11.23.
Variant type: Duplication.
Coding change: c.216dup on transcript NM_000501.4 (MANE Select); coding-DNA position 216, one base duplicated (T; older notation c.216dupT).
Protein change: p.Ala73fs; shifts the reading frame from alanine 73.
Molecular consequence: frameshift variant. On other transcripts: intron variant (1).
Genome position (GRCh38, 1-based): chr7:74,041,235, T duplicated. VCF-style (leftmost placement, unchanged base first): chr7-74041234-G-GT. GRCh37 (hg19) VCF-style: chr7-73455564-G-GT.
Other names: c.186dup, p.Ala63fs (NM_001081752.3, NM_001278914.2, NM_001278917.2 and 1 more transcripts); c.216dup, p.Ala73fs (NM_001081753.3, NM_001081754.3, NM_001081755.3 and 4 more transcripts); c.197-1379dup (NM_001278913.2); short protein forms A63fs, A73fs.
Identifiers: ClinVar variation 3242205 (VCV003242205.1), dbSNP rs2485064649.